The following is an entry in ClinVar:

ClinVar aggregate classification (germline): Uncertain significance (1 of 4 stars; one submission).

Conditions:
Idiopathic generalized epilepsy. Also called: EIG; Generalised epilepsy. Identifiers: MedGen C0270850, MONDO:0005579, OMIM 600669.

Allele frequency attached by ClinVar (database versions not stated): gnomAD exomes below 0.00001.
gnomAD v4.1: 2 of 1,611,822 alleles (0.00012%); highest among the groups gnomAD compares: Non-Finnish European, 0.00017%; no homozygotes.

Submission:

Labcorp Genetics (formerly Invitae), Labcorp
Classification: Uncertain significance for Idiopathic generalized epilepsy. Last evaluated: 2022-07-12. Review status: criteria provided, single submitter. Criteria: Invitae Variant Classification Sherloc (09022015). Collection method: clinical testing. Allele origin: germline.
Comment: In summary, the available evidence is currently insufficient to determine the role of this variant in disease. Therefore, it has been classified as a Variant of Uncertain Significance. Algorithms developed to predict the effect of missense changes on protein structure and function (SIFT, PolyPhen-2, Align-GVGD) all suggest that this variant is likely to be tolerated. This variant has not been reported in the literature in individuals affected with RBFOX1-related conditions. This variant is not present in population databases (gnomAD no frequency). This sequence change replaces valine, which is neutral and non-polar, with leucine, which is neutral and non-polar, at codon 324 of the RBFOX1 protein (p.Val324Leu).

NM_145893.3(RBFOX1):c.970G>C (p.Val324Leu)

Gene: RBFOX1 (RNA binding fox-1 homolog 1; plus strand). Cytogenetic location: 16p13.3.
Variant type: single nucleotide variant.
Coding change: c.970G>C on transcript NM_145893.3 (MANE Plus Clinical); coding-DNA position 970, G replaced by C.
Protein change: p.Val324Leu; replaces valine 324 with leucine.
Molecular consequence: missense variant. On other transcripts: intron variant (5).
Genome position (GRCh38, 1-based): chr16:7,671,576, G>C. VCF-style: chr16-7671576-G-C. GRCh37 (hg19) VCF-style: chr16-7721578-G-C.
Other names: c.889G>C, p.Val297Leu (NM_001415906.1); c.970G>C, p.Val324Leu (NM_145891.3, NM_145892.3); c.931-5198G>C (NM_001364800.2, NM_018723.4, NM_001142334.2); c.850-5198G>C (NM_001142333.2); c.1060-5198G>C (NM_001308117.1); short protein forms V324L, V297L.
Identifiers: ClinVar variation 2016264 (VCV002016264.4), dbSNP rs889615462, ClinGen allele CA394683906.
Genomic context (GRCh38, chr16:7,671,576, plus strand): 5'-CATTTTTGCATTGAAAACATTACATTTCTGTTTCCTTATAGAGTAGTGTATCAAGAGCCT[G>C]TGTATGGCAATAAATTGCTGCAGGTATGAAATCCCGACTGGTGGAGAAACTCATCACTAT-3'
Protein context (NP_665900.1, residues 314-334): AYGGVVYQEP[Val324Leu]YGNKLLQGGY